The following is an entry in ClinVar:

NM_024580.6(EFL1):c.1476T>C (p.Pro492=)

Gene: EFL1 (elongation factor like GTPase 1; minus strand). Cytogenetic location: 15q25.2.
Variant type: single nucleotide variant.
Coding change: c.1476T>C on transcript NM_024580.6 (MANE Select); coding-DNA position 1476, T replaced by C.
Protein change: p.Pro492=; no amino-acid change (proline 492 retained).
Molecular consequence: synonymous variant. On other transcripts: non-coding transcript variant (1).
Genome position (GRCh38, 1-based): chr15:82,219,787, A>G on the plus strand (T>C on the coding strand, the complement: EFL1 is on the minus strand). VCF-style: chr15-82219787-A-G. GRCh37 (hg19) VCF-style: chr15-82512128-A-G.
Other names: c.1323T>C, p.Pro441= (NM_001040610.3); c.687T>C, p.Pro229= (NM_001322844.2); c.1476T>C, p.Pro492= (NM_001322845.2).
Identifiers: ClinVar variation 2730469 (VCV002730469.10), dbSNP rs576437556, ClinGen allele CA7697966.
Genomic context (GRCh38, chr15:82,219,787, plus strand): 5'-GAACACCCGAGCAAATGCAATAAAAGACTCTTGGTTGTTTTCTTCCTGGAGCACAGGTTT[A>G]GGGGTCATACTTTCCACCTGTTGCTCGTCACCTGACAGAAACAAAAAGATAATTAGTGCC-3'
Protein context (NP_078856.4, residues 482-502): GDEQQVESMT[Pro492=]KPVLQEENNQ

ClinVar aggregate classification (germline): Likely benign. Review status: criteria provided, multiple submitters, no conflicts (2 of 4 stars). 3 submissions from 3 submitters: Likely benign (3). Last evaluated 2025-11-01.

Allele frequency attached by ClinVar (database versions not stated): gnomAD exomes 0.00001; ExAC 0.00002; gnomAD 0.00003; TOPMed 0.00003; 1000 Genomes Project 30x 0.00016; 1000 Genomes Project 0.00020.
gnomAD v4.1: 15 of 1,613,318 alleles (0.00093%); highest among the groups gnomAD compares: African/African-American, 0.0067%; no homozygotes.

Submissions (3):

CeGaT Center for Human Genetics Tuebingen
Classification: Likely benign. Last evaluated: 2025-11-01. Review status: criteria provided, single submitter. Criteria: CeGaT Center For Human Genetics Tuebingen Variant Classification Criteria Version 2. Collection method: clinical testing. Allele origin: germline. Affected: yes. Observed: 1 variant allele.
Comment: EFL1: BP4, BP7

Labcorp Genetics (formerly Invitae), Labcorp
Classification: Likely benign. Last evaluated: 2025-07-29. Review status: criteria provided, single submitter. Criteria: Invitae Variant Classification Sherloc (09022015). Collection method: clinical testing. Allele origin: germline.

Blueprint Genetics
Classification: Likely benign. Last evaluated: 2023-03-27. Review status: criteria provided, single submitter. Criteria: ACMG Guidelines, 2015. Collection method: clinical testing. Allele origin: germline.